The following is an entry in ClinVar:

NM_003924.4(PHOX2B):c.820G>C (p.Ala274Pro)

Gene: PHOX2B (paired like homeobox 2B; minus strand). Cytogenetic location: 4p13.
Variant type: single nucleotide variant.
Coding change: c.820G>C on transcript NM_003924.4 (MANE Select); coding-DNA position 820, G replaced by C.
Protein change: p.Ala274Pro; replaces alanine 274 with proline.
Molecular consequence: missense variant.
Genome position (GRCh38, 1-based): chr4:41,745,932, C>G on the plus strand (G>C on the coding strand, the complement: PHOX2B is on the minus strand). VCF-style: chr4-41745932-C-G. GRCh37 (hg19) VCF-style: chr4-41747949-C-G.
Other names: short protein forms A274P.
Identifiers: ClinVar variation 2051346 (VCV002051346.4), dbSNP rs2153112751, ClinGen allele CA356737074.

ClinVar aggregate classification (germline): Uncertain significance (1 of 4 stars; one submission).

Conditions:
Haddad syndrome (OHD). Also called: Ondine-Hirschsprung disease. Identifiers: Orphanet 99803, MedGen C1859049, MONDO:0020493.

Submission:

Labcorp Genetics (formerly Invitae), Labcorp
Classification: Uncertain significance for Haddad syndrome. Last evaluated: 2025-08-07. Review status: criteria provided, single submitter. Criteria: Invitae Variant Classification Sherloc (09022015). Collection method: clinical testing. Allele origin: germline.
Comment: This sequence change replaces alanine, which is neutral and non-polar, with proline, which is neutral and non-polar, at codon 274 of the PHOX2B protein (p.Ala274Pro). This variant is not present in population databases (gnomAD no frequency). This variant has not been reported in the literature in individuals affected with PHOX2B-related conditions. ClinVar contains an entry for this variant (Variation ID: 2051346). Experimental studies and prediction algorithms are not available or were not evaluated, and the functional significance of this variant is currently unknown. In summary, the available evidence is currently insufficient to determine the role of this variant in disease. Therefore, it has been classified as a Variant of Uncertain Significance.